The following is an entry in ClinVar:

ClinVar aggregate classification (germline): Uncertain significance (1 of 4 stars; one submission).

gnomAD v4.1: 2 of 1,482,692 alleles (0.00013%); highest among the groups gnomAD compares: African/African-American, 0.0015%; no homozygotes.

Submission:

Labcorp Genetics (formerly Invitae), Labcorp
Classification: Uncertain significance. Last evaluated: 2024-08-22. Review status: criteria provided, single submitter. Criteria: Invitae Variant Classification Sherloc (09022015). Collection method: clinical testing. Allele origin: germline.
Comment: This sequence change replaces valine, which is neutral and non-polar, with methionine, which is neutral and non-polar, at codon 15 of the SOX10 protein (p.Val15Met). This variant is not present in population databases (gnomAD no frequency). This variant has not been reported in the literature in individuals affected with SOX10-related conditions. An algorithm developed to predict the effect of missense changes on protein structure and function (PolyPhen-2) suggests that this variant is likely to be disruptive. In summary, the available evidence is currently insufficient to determine the role of this variant in disease. Therefore, it has been classified as a Variant of Uncertain Significance.

NM_006941.4(SOX10):c.43G>A (p.Val15Met)

Genes: POLR2F (RNA polymerase II, I and III subunit F; plus strand), SOX10 (SRY-box transcription factor 10; minus strand). Cytogenetic location: 22q13.1.
Variant type: single nucleotide variant.
Coding change: c.43G>A on transcript NM_006941.4 (MANE Select); coding-DNA position 43, G replaced by A.
Protein change: p.Val15Met; replaces valine 15 with methionine.
Molecular consequence: missense variant. On other transcripts: intron variant (3).
Genome position (GRCh38, 1-based): chr22:37,983,742, C>T on the plus strand (G>A on the coding strand, the complement: SOX10 is on the minus strand). VCF-style: chr22-37983742-C-T. GRCh37 (hg19) VCF-style: chr22-38379749-C-T.
Other names: c.*38+11432C>T (NM_001363825.1); c.294-2412C>T (NM_001301130.2); c.293+16572C>T (NM_001301131.2); short protein forms V15M.
Identifiers: ClinVar variation 3707138 (VCV003707138.2).